The following is an entry in ClinVar:

ClinVar aggregate classification (germline): Pathogenic (1 of 4 stars; one submission).

Submission:

GeneDx
Classification: Pathogenic. Last evaluated: 2012-10-18. Review status: criteria provided, single submitter. Criteria: GeneDx Variant Classification (06012015). Collection method: clinical testing. Allele origin: germline. Affected: yes.
Comment: This variant is denoted c.1376delA: p.Gln459ArgfsX110 (Q459RfsX110) in exon 1 of the PCDH19 gene (NM_001105243.1). The normal sequence with the base that is deleted in braces is: TACC{A}GGTC. The c.1376delA mutation in the PCDH19 gene causes a frameshift starting with codon Glutamine 459, changes this amino acid to an Arginine residue and creates a premature Stop codon at position 110 of the new reading frame, denoted p.Gln459ArgfsX110. This mutation is predicted to cause loss of normal protein function either through protein truncation or nonsense-mediated mRNA decay. Although this mutation has not been previously reported to our knowledge, its presence is consistent with a diagnosis of a PCDH19-related disorder. The variant is found in CHILD-EPI panel(s).

NM_001184880.2(PCDH19):c.1376del (p.Gln459fs)

Gene: PCDH19 (protocadherin 19; minus strand). Cytogenetic location: Xq22.1.
Variant type: Deletion.
Coding change: c.1376del on transcript NM_001184880.2 (MANE Select); coding-DNA position 1376, one base deleted (A; older notation c.1376delA).
Protein change: p.Gln459fs; shifts the reading frame from glutamine 459.
Molecular consequence: frameshift variant.
Genome position (GRCh38, 1-based): chrX:100,407,222, T deleted on the plus strand (A on the coding strand, the reverse complement: PCDH19 is on the minus strand). VCF-style (leftmost placement, unchanged base first): chrX-100407221-CT-C. GRCh37 (hg19) VCF-style: chrX-99662219-CT-C.
Other names: c.1376del, p.Gln459fs (NM_001105243.2, NM_020766.3); short protein forms Q459fs.
Identifiers: ClinVar variation 206352 (VCV000206352.1), dbSNP rs796052829, ClinGen allele CA316402.